The following is an entry in ClinVar:

NM_003611.3(OFD1):c.1930C>T (p.Arg644Cys)

Gene: OFD1 (OFD1 centriole and centriolar satellite protein; plus strand). Cytogenetic location: Xp22.2.
Variant type: single nucleotide variant.
Coding change: c.1930C>T on transcript NM_003611.3 (MANE Select); coding-DNA position 1930, C replaced by T.
Protein change: p.Arg644Cys; replaces arginine 644 with cysteine.
Molecular consequence: missense variant.
Genome position (GRCh38, 1-based): chrX:13,760,390, C>T. VCF-style: chrX-13760390-C-T. GRCh37 (hg19) VCF-style: chrX-13778509-C-T.
Other names: c.1810C>T, p.Arg604Cys (NM_001330209.2); c.1510C>T, p.Arg504Cys (NM_001330210.2); short protein forms R644C, R604C, R504C.
Identifiers: ClinVar variation 412876 (VCV000412876.47), dbSNP rs185831378, ClinGen allele CA10351908.

ClinVar aggregate classification (germline): Benign/Likely benign. Review status: criteria provided, multiple submitters, no conflicts (2 of 4 stars). 6 submissions from 6 submitters: Benign (2); Likely benign (4). Last evaluated 2026-01-27.

Conditions:
Joubert syndrome. Also called: JOUBERT-BOLTSHAUSER SYNDROME; Familial aplasia of the vermis. Identifiers: Orphanet 475, MedGen C5979921, MONDO:0018772.
Orofaciodigital syndrome I (OFD1). Also called: OFDS I; Papillon-Leage and Psaume Syndrome; Oral-Facial-Digital Syndrome Type I. Identifiers: Orphanet 2750, MedGen C1510460, MONDO:0010702, OMIM 311200.
Retinal dystrophy. Also called: Inherited retinal dystrophy. Identifiers: Orphanet 71862, MedGen C0854723, MeSH D058499, MONDO:0019118, HP:0000556.
Primary ciliary dyskinesia. Also called: Ciliary dyskinesia. Identifiers: Orphanet 244, MedGen C0008780, MONDO:0016575, HP:0012265.

Allele frequency attached by ClinVar (database versions not stated): TOPMed 0.00014; gnomAD exomes 0.00024 and 0.00008; ExAC 0.00027; 1000 Genomes Project 0.00053; 1000 Genomes Project 30x 0.00062; gnomAD 0.00006 and 0.00007.
gnomAD v4.1: 96 of 1,207,208 alleles (0.008%); highest among the groups gnomAD compares: East Asian, 0.21%; no homozygotes.

Submissions (6):

Labcorp Genetics (formerly Invitae), Labcorp
Classification: Benign for Orofaciodigital syndrome I; Joubert syndrome. Last evaluated: 2026-01-27. Review status: criteria provided, single submitter. Criteria: Invitae Variant Classification Sherloc (09022015). Collection method: clinical testing. Allele origin: germline.

Blueprint Genetics
Classification: Likely benign. Last evaluated: 2024-09-23. Review status: criteria provided, single submitter. Criteria: ACMG Guidelines, 2015. Collection method: clinical testing. Allele origin: germline.

Dept Of Ophthalmology, Nagoya University
Classification: Likely benign for Retinal dystrophy. Last evaluated: 2023-10-01. Review status: criteria provided, single submitter. Criteria: Submitter's publication. Collection method: research. Allele origin: germline. Affected: yes.

CeGaT Center for Human Genetics Tuebingen
Classification: Likely benign. Last evaluated: 2021-06-01. Review status: criteria provided, single submitter. Criteria: CeGaT Center For Human Genetics Tuebingen Variant Classification Criteria Version 2. Collection method: clinical testing. Allele origin: germline. Affected: yes. Observed: 2 variant alleles.

GeneDx
Classification: Likely benign. Last evaluated: 2017-10-12. Review status: criteria provided, single submitter. Criteria: GeneDx Variant Classification (06012015). Collection method: clinical testing. Allele origin: germline. Affected: yes.
Comment: This variant is considered likely benign or benign based on one or more of the following criteria: it is a conservative change, it occurs at a poorly conserved position in the protein, it is predicted to be benign by multiple in silico algorithms, and/or has population frequency not consistent with disease.

Ambry Genetics
Classification: Benign for Primary ciliary dyskinesia. Last evaluated: 2017-06-28. Review status: criteria provided, single submitter. Criteria: Ambry Variant Classification Scheme 2023. Collection method: clinical testing. Allele origin: germline.